The following is an entry in ClinVar:

ClinVar aggregate classification (germline): Uncertain significance. Review status: criteria provided, multiple submitters, no conflicts (2 of 4 stars). 2 submissions from 2 submitters: Uncertain significance (2). Last evaluated 2025-04-01.

Allele frequency attached by ClinVar (database versions not stated): gnomAD 0.00001; TOPMed 0.00002.
gnomAD v4.1: 19 of 1,612,500 alleles (0.0012%); highest among the groups gnomAD compares: Non-Finnish European, 0.0015%; no homozygotes.

Submissions (2):

Labcorp Genetics (formerly Invitae), Labcorp
Classification: Uncertain significance. Last evaluated: 2025-04-01. Review status: criteria provided, single submitter. Criteria: Invitae Variant Classification Sherloc (09022015). Collection method: clinical testing. Allele origin: germline.
Comment: This sequence change replaces proline, which is neutral and non-polar, with threonine, which is neutral and polar, at codon 841 of the SLCO5A1 protein (p.Pro841Thr). This variant is present in population databases (rs761394053, gnomAD 0.006%). This variant has not been reported in the literature in individuals affected with SLCO5A1-related conditions. ClinVar contains an entry for this variant (Variation ID: 1908672). An algorithm developed to predict the effect of missense changes on protein structure and function outputs the following: PolyPhen-2: "Benign". The threonine amino acid residue is found in multiple mammalian species, which suggests that this missense change does not adversely affect protein function. In summary, the available evidence is currently insufficient to determine the role of this variant in disease. Therefore, it has been classified as a Variant of Uncertain Significance.

Ambry Genetics
Classification: Uncertain significance. Last evaluated: 2024-11-09. Review status: criteria provided, single submitter. Criteria: Ambry Variant Classification Scheme 2023. Collection method: clinical testing. Allele origin: germline.

NM_030958.3(SLCO5A1):c.2521C>A (p.Pro841Thr)

Gene: SLCO5A1 (solute carrier organic anion transporter family member 5A1; minus strand). Cytogenetic location: 8q13.3.
Variant type: single nucleotide variant.
Coding change: c.2521C>A on transcript NM_030958.3 (MANE Select); coding-DNA position 2521, C replaced by A.
Protein change: p.Pro841Thr; replaces proline 841 with threonine.
Molecular consequence: missense variant. On other transcripts: 3 prime UTR variant (1).
Genome position (GRCh38, 1-based): chr8:69,672,895, G>T on the plus strand (C>A on the coding strand, the complement: SLCO5A1 is on the minus strand). VCF-style: chr8-69672895-G-T. GRCh37 (hg19) VCF-style: chr8-70585130-G-T.
Other names: c.2521C>A (NM_030958.2); c.*392C>A (NM_001146008.2); c.2356C>A, p.Pro786Thr (NM_001146009.1); short protein forms P786T, P841T.
Identifiers: ClinVar variation 1908672 (VCV001908672.6), dbSNP rs761394053, ClinGen allele CA4776301.